The following is an entry in ClinVar:

ClinVar aggregate classification (germline): Uncertain significance (1 of 4 stars; one submission).

Conditions:
Intellectual developmental disorder and retinitis pigmentosa; IDDRP. Also called: INTELLECTUAL DEVELOPMENTAL DISORDER AND RETINITIS PIGMENTOSA. Identifiers: MedGen C4748658, MONDO:0032594, OMIM 618195.

Allele frequency attached by ClinVar (database versions not stated): gnomAD exomes below 0.00001.
gnomAD v4.1: 2 of 1,613,832 alleles (0.00012%); highest among the groups gnomAD compares: South Asian, 0.0022%; no homozygotes.

Submission:

Foundation for Research in Genetics and Endocrinology, FRIGE's Institute of Human Genetics
Classification: Uncertain significance for Intellectual developmental disorder and retinitis pigmentosa; IDDRP. Last evaluated: 2022-11-05. Review status: criteria provided, single submitter. Criteria: ACMG Guidelines, 2015. Collection method: clinical testing. Allele origin: germline. Inheritance: Autosomal recessive inheritance. Affected: yes. Observed: 1 homozygote.
Comment: A homozygous missense variation in exon 5 of the SCAPER gene that results in the amino acid substitution of Tryptophan for Cysteine at codon 71 was detected . This variant has not been reported in the 1000 genomes, gnomAD and our internal databases. The in silico predictions# of the variant are probably damaging by PolyPhen-2 (HumDiv) and damaging by LRT. The reference codon is conserved across species. In summary, the variant meets our criteria to be classified as a variant of uncertain significance.

NM_020843.4(SCAPER):c.213T>G (p.Cys71Trp)

Gene: SCAPER (S-phase cyclin A associated protein in the ER; minus strand). Cytogenetic location: 15q24.3.
Variant type: single nucleotide variant.
Coding change: c.213T>G on transcript NM_020843.4 (MANE Select); coding-DNA position 213, T replaced by G.
Protein change: p.Cys71Trp; replaces cysteine 71 with tryptophan.
Molecular consequence: missense variant. On other transcripts: 5 prime UTR variant (4), non-coding transcript variant (1).
Genome position (GRCh38, 1-based): chr15:76,841,914, A>C on the plus strand (T>G on the coding strand, the complement: SCAPER is on the minus strand). VCF-style: chr15-76841914-A-C. GRCh37 (hg19) VCF-style: chr15-77134255-A-C.
Other names: p.Cys71Trp; c.-685T>G (NM_001145923.2); c.213T>G, p.Cys71Trp (NM_001353009.2); c.-190T>G (NM_001353010.2, NM_001353011.2, NM_001353012.2); short protein forms C71W.
Identifiers: ClinVar variation 1727209 (VCV001727209.3), dbSNP rs1298071004, ClinGen allele CA393641990.
Genomic context (GRCh38, chr15:76,841,914, plus strand): 5'-CCTTGTTTTAGTGGGACTTTTATCAAAGTGTTTATCTCCAGTCGTAGACGATGTTATTTT[A>C]CAGTCCACTGCAGTACTCTGGTGAAGTAAAATAAAACATGAAAATAAATAAATAAAAGGG-3'
Protein context (NP_065894.2, residues 61-81): KTTKQSTAVD[Cys71Trp]KITSSTTGDK